The following is an entry in ClinVar:

NM_032383.5(HPS3):c.2797-1G>A

Genes: CP (ceruloplasmin; minus strand), HPS3 (HPS3 biogenesis of lysosomal organelles complex 2 subunit 1; plus strand). Cytogenetic location: 3q24.
Variant type: single nucleotide variant.
Coding change: c.2797-1G>A on transcript NM_032383.5 (MANE Select); the canonical splice acceptor site of the intron before coding-DNA position 2797, G replaced by A.
Molecular consequence: splice acceptor variant.
Genome position (GRCh38, 1-based): chr3:149,167,892, G>A. VCF-style: chr3-149167892-G-A. GRCh37 (hg19) VCF-style: chr3-148885679-G-A.
Other names: c.2302-1G>A (NM_001308258.2).
Identifiers: ClinVar variation 2778711 (VCV002778711.3), dbSNP rs1280253490, ClinGen allele CA354926216.

ClinVar aggregate classification (germline): Likely pathogenic (1 of 4 stars; one submission).

Allele frequency attached by ClinVar (database versions not stated): gnomAD exomes below 0.00001; TOPMed 0.00001; gnomAD 0.00001.
gnomAD v4.1: 3 of 1,571,162 alleles (0.00019%); highest among the groups gnomAD compares: Non-Finnish European, 0.00018%; no homozygotes.

Submission:

Labcorp Genetics (formerly Invitae), Labcorp
Classification: Likely pathogenic. Last evaluated: 2025-09-01. Review status: criteria provided, single submitter. Criteria: Invitae Variant Classification Sherloc (09022015). Collection method: clinical testing. Allele origin: germline.
Comment: This sequence change affects an acceptor splice site in intron 15 of the HPS3 gene. It is expected to disrupt RNA splicing. Variants that disrupt the donor or acceptor splice site typically lead to a loss of protein function (PMID: 16199547), and loss-of-function variants in HPS3 are known to be pathogenic (PMID: 11590544). This variant is not present in population databases (gnomAD no frequency). This variant has not been reported in the literature in individuals affected with HPS3-related conditions. ClinVar contains an entry for this variant (Variation ID: 2778711). Algorithms developed to predict the effect of sequence changes on RNA splicing suggest that this variant may disrupt the consensus splice site. In summary, the currently available evidence indicates that the variant is pathogenic, but additional data are needed to prove that conclusively. Therefore, this variant has been classified as Likely Pathogenic.

Literature cited by the submitters: PubMed 16199547; PubMed 11590544.